The following is an entry in ClinVar:

ClinVar aggregate classification (germline): Uncertain significance. Review status: criteria provided, multiple submitters, no conflicts (2 of 4 stars). 3 submissions from 3 submitters: Uncertain significance (3). Last evaluated 2025-07-09.

Conditions:
Neutropenia, severe congenital, 2, autosomal dominant. Identifiers: Orphanet 486, MedGen C2751288, MONDO:0013139, OMIM 613107.

Allele frequency attached by ClinVar (database versions not stated): gnomAD 0.00001 and 0.00002; TOPMed 0.00002; gnomAD exomes 0.00003 and 0.00008; ExAC 0.00009.
gnomAD v4.1: 47 of 1,611,274 alleles (0.0029%); highest among the groups gnomAD compares: Middle Eastern, 0.083%; 1 homozygote.

Submissions (3):

Labcorp Genetics (formerly Invitae), Labcorp
Classification: Uncertain significance for Neutropenia, severe congenital, 2, autosomal dominant. Last evaluated: 2025-07-09. Review status: criteria provided, single submitter. Criteria: Invitae Variant Classification Sherloc (09022015). Collection method: clinical testing. Allele origin: germline.
Comment: This sequence change replaces leucine, which is neutral and non-polar, with valine, which is neutral and non-polar, at codon 61 of the GFI1 protein (p.Leu61Val). This variant is present in population databases (rs779976283, gnomAD 0.04%), and has an allele count higher than expected for a pathogenic variant. This variant has not been reported in the literature in individuals affected with GFI1-related conditions. ClinVar contains an entry for this variant (Variation ID: 1515128). Invitae Evidence Modeling of protein sequence and biophysical properties (such as structural, functional, and spatial information, amino acid conservation, physicochemical variation, residue mobility, and thermodynamic stability) indicates that this missense variant is not expected to disrupt GFI1 protein function with a negative predictive value of 80%. In summary, the available evidence is currently insufficient to determine the role of this variant in disease. Therefore, it has been classified as a Variant of Uncertain Significance.

Ambry Genetics
Classification: Uncertain significance. Last evaluated: 2024-11-22. Review status: criteria provided, single submitter. Criteria: Ambry Variant Classification Scheme 2023. Collection method: clinical testing. Allele origin: germline.
Comment: The p.L61V variant (also known as c.181C>G), located in coding exon 2 of the GFI1 gene, results from a C to G substitution at nucleotide position 181. The leucine at codon 61 is replaced by valine, an amino acid with highly similar properties. This amino acid position is conserved. In addition, this alteration is predicted to be tolerated by in silico analysis. Based on the available evidence, the clinical significance of this variant remains unclear.

Breakthrough Genomics
Classification: Uncertain significance. Review status: criteria provided, single submitter. Criteria: ACMG Guidelines, 2015. Collection method: not provided. Allele origin: germline. Inheritance: Autosomal dominant inheritance. Affected: yes.

NM_005263.5(GFI1):c.181C>G (p.Leu61Val)

Gene: GFI1 (growth factor independent 1 transcriptional repressor; minus strand). Cytogenetic location: 1p22.1.
Variant type: single nucleotide variant.
Coding change: c.181C>G on transcript NM_005263.5 (MANE Select); coding-DNA position 181, C replaced by G.
Protein change: p.Leu61Val; replaces leucine 61 with valine.
Molecular consequence: missense variant.
Genome position (GRCh38, 1-based): chr1:92,482,981, G>C on the plus strand (C>G on the coding strand, the complement: GFI1 is on the minus strand). VCF-style: chr1-92482981-G-C. GRCh37 (hg19) VCF-style: chr1-92948538-G-C.
Other names: c.181C>G (NM_005263.3); c.181C>G, p.Leu61Val (NM_001127215.3, NM_001127216.3); short protein forms L61V.
Identifiers: ClinVar variation 1515128 (VCV001515128.10), dbSNP rs779976283, ClinGen allele CA951466.